The following is an entry in ClinVar:

ClinVar aggregate classification (germline): Uncertain significance (1 of 4 stars; one submission).

Submission:

Labcorp Genetics (formerly Invitae), Labcorp
Classification: Uncertain significance. Last evaluated: 2025-06-12. Review status: criteria provided, single submitter. Criteria: Invitae Variant Classification Sherloc (09022015). Collection method: clinical testing. Allele origin: germline.
Comment: This sequence change replaces tyrosine, which is neutral and polar, with cysteine, which is neutral and slightly polar, at codon 992 of the EGF protein (p.Tyr992Cys). This variant is not present in population databases (gnomAD no frequency). This variant has not been reported in the literature in individuals affected with EGF-related conditions. ClinVar contains an entry for this variant (Variation ID: 2696299). An algorithm developed to predict the effect of missense changes on protein structure and function (PolyPhen-2) suggests that this variant is likely to be disruptive. In summary, the available evidence is currently insufficient to determine the role of this variant in disease. Therefore, it has been classified as a Variant of Uncertain Significance.

NM_001963.6(EGF):c.2975A>G (p.Tyr992Cys)

Gene: EGF (epidermal growth factor; plus strand). Cytogenetic location: 4q25.
Variant type: single nucleotide variant.
Coding change: c.2975A>G on transcript NM_001963.6 (MANE Select); coding-DNA position 2975, A replaced by G.
Protein change: p.Tyr992Cys; replaces tyrosine 992 with cysteine.
Molecular consequence: missense variant.
Genome position (GRCh38, 1-based): chr4:109,994,850, A>G. VCF-style: chr4-109994850-A-G. GRCh37 (hg19) VCF-style: chr4-110916006-A-G.
Other names: c.2852A>G, p.Tyr951Cys (NM_001178130.3); c.2849A>G, p.Tyr950Cys (NM_001178131.3); c.2606A>G, p.Tyr869Cys (NM_001357021.2); short protein forms Y869C, Y950C, Y951C, Y992C.
Identifiers: ClinVar variation 2696299 (VCV002696299.3), dbSNP rs2545894320, ClinGen allele CA357873634.